The following is an entry in ClinVar:

ClinVar aggregate classification (germline): Benign. Review status: reviewed by expert panel (3 of 4 stars). 3 submissions from 3 submitters: Benign (1). 2 of the submissions do not count toward it. Last evaluated 2015-01-12.

Conditions:
Breast-ovarian cancer, familial, susceptibility to, 1 (BROVCA1). Also called: BRCA1 Hereditary Breast and Ovarian Cancer; OVARIAN CANCER, SUSCEPTIBILITY TO. Identifiers: Orphanet 145, MedGen C2676676, MONDO:0011450, OMIM 604370. Disease mechanism: loss of function.

Allele frequency attached by ClinVar (database versions not stated): gnomAD exomes 0.00055 and 0.00088; ExAC 0.00073; 1000 Genomes Project 30x 0.00406; gnomAD 0.00473 and 0.00512; 1000 Genomes Project 0.00499; TOPMed 0.00521.
gnomAD v4.1: 915 of 505,526 alleles (0.18%); highest among the groups gnomAD compares: African/African-American, 1.5%; 13 homozygotes.

Submissions (3):

Evidence-based Network for the Interpretation of Germline Mutant Alleles (ENIGMA)
Classification: Benign for Breast-ovarian cancer, familial 1. Last evaluated: 2015-01-12. Review status: reviewed by expert panel. Criteria: ENIGMA BRCA1/2 Classification Criteria (2015). Collection method: curation. Allele origin: germline.
Comment: Class 1 not pathogenic based on frequency >1% in an outbred sampleset. Frequency 0.02033 (African), derived from 1000 genomes (2012-04-30).

GeneDx
Classification: Likely benign. Last evaluated: 2019-09-21. Review status: criteria provided, single submitter. Criteria: GeneDx Variant Classification Process June 2021. Collection method: clinical testing. Allele origin: germline. Affected: yes. Not counted in ClinVar's aggregate classification.

Illumina Laboratory Services, Illumina
Classification: Likely benign for Breast-ovarian cancer, familial, susceptibility to, 1. Last evaluated: 2017-04-27. Review status: criteria provided, single submitter. Criteria: ICSL Variant Classification Criteria 13 December 2019. Collection method: clinical testing. Allele origin: germline. Not counted in ClinVar's aggregate classification.
Comment: This variant was observed as part of a predisposition screen in an ostensibly healthy population. A literature search was performed for the gene, cDNA change, and amino acid change (where applicable). No publications were found based on this search. Allele frequency data from public databases allowed determination this variant is unlikely to cause disease. Therefore, this variant is classified as likely benign.

NM_007294.4(BRCA1):c.*1113G>A

Gene: BRCA1 (BRCA1 DNA repair associated; minus strand). Cytogenetic location: 17q21.31.
Variant type: single nucleotide variant.
Coding change: c.*1113G>A on transcript NM_007294.4 (MANE Select); 1113 bases downstream of the stop codon, G replaced by A.
Molecular consequence: 3 prime UTR variant. On other transcripts: non-coding transcript variant (1).
Genome position (GRCh38, 1-based): chr17:43,044,565, C>T on the plus strand (G>A on the coding strand, the complement: BRCA1 is on the minus strand). VCF-style: chr17-43044565-C-T. GRCh37 (hg19) VCF-style: chr17-41196582-C-T.
Other names: 6824 G>A; c.*1113G>A (NM_001407896.1, NM_001407897.1, NM_001407898.1 and 348 more transcripts); c.*1219G>A (NM_001407937.1, NM_001407938.1, NM_001407939.1 and 14 more transcripts).
Identifiers: ClinVar variation 209233 (VCV000209233.8), dbSNP rs111791349, ClinGen allele CA052481.
Genomic context (GRCh38, chr17:43,044,565, plus strand): 5'-GGTTTCAGCAACAGGGAGCAAAGGAAAAAAATCACCTCAAAGAAAGCAACAGCTTCCTTC[C>T]TGGTGGGATCTGTCATTTTATAGATATGAAATATTCATGCCAGAGGTCTTATATTTTAAG-3'